The following is an entry in ClinVar:

NM_001197104.2(KMT2A):c.2629_2630del (p.Asp877fs)

Gene: KMT2A (lysine methyltransferase 2A; plus strand). Cytogenetic location: 11q23.3.
Variant type: Microsatellite.
Coding change: c.2629_2630del on transcript NM_001197104.2 (MANE Select); coding-DNA positions 2629 to 2630, 2 bases deleted (GA; older notation c.2629_2630delGA).
Protein change: p.Asp877fs; shifts the reading frame from aspartic acid 877.
Molecular consequence: frameshift variant.
Genome position (GRCh38, 1-based): chr11:118,473,788-118,473,789, GA deleted; deleting any 2 consecutive bases within chr11:118,473,779-118,473,789 gives the same sequence; the c. name uses the placement nearest the transcript's 3' end. VCF-style (leftmost placement, unchanged base first): chr11-118473778-TAG-T. GRCh37 (hg19) VCF-style: chr11-118344493-TAG-T.
Other names: c.2629_2630del, p.Asp877fs (NM_005933.4); c.2629_2630del (NM_001197104.1); short protein forms D877fs.
Identifiers: ClinVar variation 1073103 (VCV001073103.4), dbSNP rs782311054, ClinGen allele CA6303535.
Genomic context (GRCh38, chr11:118,473,778, plus strand): 5'-GGCCCCCGAGGAGCTGTCCAAAGATCGAGATGCTGACAAGAGCGTGGAGAAGGACAAGAG[TAG>T]AGAGAGAGACCGGGAGAGAGAAAAGGAGAATAAGCGGGAGTCAAGGAAAGAGAAAAGGAA-3'

ClinVar aggregate classification (germline): Pathogenic. Review status: criteria provided, multiple submitters, no conflicts (2 of 4 stars). 3 submissions from 3 submitters: Pathogenic (3). Last evaluated 2024-06-06.

Conditions:
Wiedemann-Steiner syndrome (WDSTS). Also called: Growth deficiency and mental retardation with facial dysmorphism. Identifiers: Orphanet 319182, MedGen C1854630, MONDO:0011518, OMIM 605130.

Submissions (3):

3billion
Classification: Pathogenic for Wiedemann-Steiner syndrome. Last evaluated: 2024-06-06. Review status: criteria provided, single submitter. Criteria: ACMG Guidelines, 2015. Collection method: clinical testing. Allele origin: germline. Affected: yes.
Comment: The variant is not observed in the gnomAD v4.0.0 dataset. Predicted Consequence/Location: Frameshift: predicted to result in a loss or disruption of normal protein function through nonsense-mediated decay (NMD) or protein truncation. Multiple pathogenic variants are reported downstream of the variant. The variant has been previously reported as de novo in a similarly affected individual (N/A). The variant has been reported to be associated with KMT2A related disorder (ClinVar ID: VCV001073103 /PMID: 35935361). Therefore, this variant is classified as Pathogenic according to the recommendation of ACMG/AMP guideline.

GeneDx
Classification: Pathogenic. Last evaluated: 2023-06-30. Review status: criteria provided, single submitter. Criteria: GeneDx Variant Classification Process June 2021. Collection method: clinical testing. Allele origin: germline. Affected: yes.
Comment: Not observed at significant frequency in large population cohorts (gnomAD); Frameshift variant predicted to result in protein truncation or nonsense mediated decay in a gene for which loss of function is a known mechanism of disease; This variant is associated with the following publications: (PMID: 35935361)

Labcorp Genetics (formerly Invitae), Labcorp
Classification: Pathogenic. Last evaluated: 2017-11-27. Review status: criteria provided, single submitter. Criteria: Invitae Variant Classification Sherloc (09022015). Collection method: clinical testing. Allele origin: germline.
Comment: This sequence change creates a premature translational stop signal (p.Asp877Profs*8) in the KMT2A gene. It is expected to result in an absent or disrupted protein product. The frequency data for this variant in the population databases is considered unreliable, as metrics indicate poor data quality at this position in the ExAC database. This variant has not been reported in the literature in individuals with KMT2A-related disease. Loss-of-function variants in KMT2A are known to be pathogenic (PMID: 22795537, 25810209). For these reasons, this variant has been classified as Pathogenic.

Literature cited by the submitters: PubMed 35935361 (cited by 3billion); PubMed 22795537 (cited by Labcorp Genetics (formerly Invitae), Labcorp); PubMed 25810209 (cited by Labcorp Genetics (formerly Invitae), Labcorp).